The following is an entry in ClinVar:

ClinVar aggregate classification (germline): Pathogenic (1 of 4 stars; one submission).

Conditions:
Glycogen storage disease, type II (IOPD). Also called: GLYCOGENOSIS, GENERALIZED, CARDIAC FORM; GSD II; Glucosidase acid-1,4-alpha deficiency; Pompe Disease; Glycogen storage disease type 2; Acid maltase deficiency disease. Identifiers: Orphanet 365, MedGen C0017921, MONDO:0009290, OMIM 232300.

Submission:

Labcorp Genetics (formerly Invitae), Labcorp
Classification: Pathogenic for Glycogen storage disease, type II. Last evaluated: 2020-01-24. Review status: criteria provided, single submitter. Criteria: Invitae Variant Classification Sherloc (09022015). Collection method: clinical testing. Allele origin: germline.
Comment: This sequence change creates a premature translational stop signal (p.Ile446Asnfs*60) in the GAA gene. It is expected to result in an absent or disrupted protein product. For these reasons, this variant has been classified as Pathogenic. Loss-of-function variants in GAA are known to be pathogenic (PMID: 18425781, 22252923). This variant has not been reported in the literature in individuals with GAA-related conditions. This variant is not present in population databases (ExAC no frequency).

Literature cited by the submitters: PubMed 18425781; PubMed 22252923.

NM_000152.5(GAA):c.1336dup (p.Ile446fs)

Gene: GAA (alpha glucosidase; plus strand). Cytogenetic location: 17q25.3.
Variant type: Duplication.
Coding change: c.1336dup on transcript NM_000152.5 (MANE Select); coding-DNA position 1336, one base duplicated (A; older notation c.1336dupA).
Protein change: p.Ile446fs; shifts the reading frame from isoleucine 446.
Molecular consequence: frameshift variant.
Genome position (GRCh38, 1-based): chr17:80,109,954, A duplicated. VCF-style (leftmost placement, unchanged base first): chr17-80109953-C-CA. GRCh37 (hg19) VCF-style: chr17-78083752-C-CA.
Other names: c.1336dup, p.Ile446fs (NM_001079803.3, NM_001079804.3); short protein forms I446fs.
Identifiers: ClinVar variation 1068509 (VCV001068509.8), dbSNP rs2143865725, ClinGen allele CA2499225009.